The following is an entry in ClinVar:

ClinVar aggregate classification (germline): Uncertain significance (1 of 4 stars; one submission).

Submission:

Labcorp Genetics (formerly Invitae), Labcorp
Classification: Uncertain significance. Last evaluated: 2022-03-29. Review status: criteria provided, single submitter. Criteria: Invitae Variant Classification Sherloc (09022015). Collection method: clinical testing. Allele origin: germline.
Comment: In summary, the available evidence is currently insufficient to determine the role of this variant in disease. Therefore, it has been classified as a Variant of Uncertain Significance. Advanced modeling of protein sequence and biophysical properties (such as structural, functional, and spatial information, amino acid conservation, physicochemical variation, residue mobility, and thermodynamic stability) performed at Invitae indicates that this missense variant is expected to disrupt NSD1 protein function. This variant has not been reported in the literature in individuals affected with NSD1-related conditions. This variant is not present in population databases (gnomAD no frequency). This sequence change replaces alanine, which is neutral and non-polar, with aspartic acid, which is acidic and polar, at codon 1727 of the NSD1 protein (p.Ala1727Asp).

NM_022455.5(NSD1):c.5180C>A (p.Ala1727Asp)

Gene: NSD1 (nuclear receptor binding SET domain protein 1; plus strand). Cytogenetic location: 5q35.3.
Variant type: single nucleotide variant.
Coding change: c.5180C>A on transcript NM_022455.5 (MANE Select); coding-DNA position 5180, C replaced by A.
Protein change: p.Ala1727Asp; replaces alanine 1727 with aspartic acid.
Molecular consequence: missense variant.
Genome position (GRCh38, 1-based): chr5:177,267,595, C>A. VCF-style: chr5-177267595-C-A. GRCh37 (hg19) VCF-style: chr5-176694596-C-A.
Other names: c.4307C>A, p.Ala1436Asp (NM_001365684.2, NM_001409308.1, NM_001409309.1 and 1 more transcripts); c.5180C>A, p.Ala1727Asp (NM_001409301.1, NM_001409302.1, NM_001409303.1); c.4760C>A, p.Ala1587Asp (NM_001409304.1); c.4427C>A, p.Ala1476Asp (NM_001409305.1); c.4418C>A, p.Ala1473Asp (NM_001409306.1, NM_001409307.1); short protein forms A1436D, A1473D, A1476D, A1458D, A1727D, A1587D.
Identifiers: ClinVar variation 2119603 (VCV002119603.4), dbSNP rs2480719622, ClinGen allele CA362305593.